The following is an entry in ClinVar:

NM_001375808.2(LPIN2):c.*2923C>T

Gene: LPIN2 (lipin 2; minus strand). Cytogenetic location: 18p11.31.
Variant type: single nucleotide variant.
Coding change: c.*2923C>T on transcript NM_001375808.2 (MANE Select); 2923 bases downstream of the stop codon, C replaced by T.
Molecular consequence: 3 prime UTR variant.
Genome position (GRCh38, 1-based): chr18:2,917,370, G>A on the plus strand (C>T on the coding strand, the complement: LPIN2 is on the minus strand). VCF-style: chr18-2917370-G-A. GRCh37 (hg19) VCF-style: chr18-2917368-G-A.
Other names: c.*2923C>T (NM_001375809.1, NM_014646.2).
Identifiers: ClinVar variation 326552 (VCV000326552.5), dbSNP rs202079191, ClinGen allele CA10650636.

ClinVar aggregate classification (germline): Benign (1 of 4 stars; one submission).

Conditions:
Majeed syndrome (MJDS). Also called: CHRONIC RECURRENT MULTIFOCAL OSTEOMYELITIS 1, WITH CONGENITAL DYSERYTHROPOIETIC ANEMIA, WITH OR WITHOUT NEUTROPHILIC DERMATOSIS; LPIN2-Related Majeed Syndrome. Identifiers: Orphanet 77297, MedGen C1864997, MONDO:0012316, OMIM 609628.

Allele frequency attached by ClinVar (database versions not stated): gnomAD 0.04091 and 0.04421; 1000 Genomes Project 0.04273; 1000 Genomes Project 30x 0.04419; TOPMed 0.04442.

Submission:

Illumina Laboratory Services, Illumina
Classification: Benign for Majeed syndrome. Last evaluated: 2018-01-13. Review status: criteria provided, single submitter. Criteria: ICSL Variant Classification Criteria 13 December 2019. Collection method: clinical testing. Allele origin: germline.
Comment: This variant was observed in the ICSL laboratory as part of a predisposition screen in an ostensibly healthy population. It had not been previously curated by ICSL or reported in the Human Gene Mutation Database (HGMD: prior to June 1st, 2018), and was therefore a candidate for classification through an automated scoring system. Utilizing variant allele frequency, disease prevalence and penetrance estimates, and inheritance mode, an automated score was calculated to assess if this variant is too frequent to cause the disease. Based on the score and internal cut-off values, a variant classified as benign is not then subjected to further curation. The score for this variant resulted in a classification of benign for this disease.